The following is an entry in ClinVar:

ClinVar aggregate classification (germline): Uncertain significance. Review status: criteria provided, multiple submitters, no conflicts (2 of 4 stars). 2 submissions from 2 submitters: Uncertain significance (2). Last evaluated 2025-12-13.

Conditions:
Ataxia-telangiectasia-like disorder (ATLD). Identifiers: MedGen C1858391, MONDO:0011457.
Hereditary cancer-predisposing syndrome. Also called: Hereditary Cancer Syndrome; Tumor predisposition; Hereditary neoplastic syndrome; Neoplastic Syndromes, Hereditary. Identifiers: Orphanet 140162, MedGen C0027672, MeSH D009386, MONDO:0015356.

Submissions (2):

Ambry Genetics
Classification: Uncertain significance for Hereditary cancer-predisposing syndrome. Last evaluated: 2025-12-13. Review status: criteria provided, single submitter. Criteria: Ambry Variant Classification Scheme 2023. Collection method: clinical testing. Allele origin: germline.
Comment: The p.K407Q variant (also known as c.1219A>C), located in coding exon 10 of the MRE11A gene, results from an A to C substitution at nucleotide position 1219. The lysine at codon 407 is replaced by glutamine, an amino acid with similar properties. This amino acid position is conserved. In addition, this alteration is predicted to be tolerated by in silico analysis. Since supporting evidence is limited at this time, the clinical significance of this alteration remains unclear.

Labcorp Genetics (formerly Invitae), Labcorp
Classification: Uncertain significance for Ataxia-telangiectasia-like disorder. Last evaluated: 2025-12-09. Review status: criteria provided, single submitter. Criteria: Invitae Variant Classification Sherloc (09022015). Collection method: clinical testing. Allele origin: germline.
Comment: This sequence change replaces lysine, which is basic and polar, with glutamine, which is neutral and polar, at codon 407 of the MRE11 protein (p.Lys407Gln). This variant is not present in population databases (gnomAD no frequency). This variant has not been reported in the literature in individuals affected with MRE11-related conditions. ClinVar contains an entry for this variant (Variation ID: 1042418). An algorithm developed to predict the effect of missense changes on protein structure and function (PolyPhen-2) suggests that this variant is likely to be tolerated. In summary, the available evidence is currently insufficient to determine the role of this variant in disease. Therefore, it has been classified as a Variant of Uncertain Significance.

NM_005591.4(MRE11):c.1219A>C (p.Lys407Gln)

Gene: MRE11 (MRE11 double strand break repair nuclease; minus strand). Cytogenetic location: 11q21.
Variant type: single nucleotide variant.
Coding change: c.1219A>C on transcript NM_005591.4 (MANE Select); coding-DNA position 1219, A replaced by C.
Protein change: p.Lys407Gln; replaces lysine 407 with glutamine.
Molecular consequence: missense variant.
Genome position (GRCh38, 1-based): chr11:94,464,119, T>G on the plus strand (A>C on the coding strand, the complement: MRE11 is on the minus strand). VCF-style: chr11-94464119-T-G. GRCh37 (hg19) VCF-style: chr11-94197285-T-G.
Other names: c.1219A>C, p.Lys407Gln (NM_001330347.2, NM_005590.4); short protein forms K407Q.
Identifiers: ClinVar variation 1042418 (VCV001042418.12), dbSNP rs1946495898, ClinGen allele CA382372648.
Genomic context (GRCh38, chr11:94,464,119, plus strand): 5'-CCTTCACAAATCCTATAAGAACATTTTTTTACCTCATAAAAATAACTAGCTTACCTGTTT[T>G]TTCCTTTTGTTCTCTATGCCTGAAAAAATGGATAATGTCTTTTGGATTAGCTACCCGATC-3'
Protein context (NP_005582.1, residues 397-417): HFFRHREQKE[Lys407Gln]TGEEINFGKL